The following is an entry in ClinVar:

ClinVar aggregate classification (germline): Uncertain significance (1 of 4 stars; one submission).

Conditions:
Hereditary cancer-predisposing syndrome. Also called: Neoplastic Syndromes, Hereditary; Hereditary Cancer Syndrome; Tumor predisposition; Hereditary neoplastic syndrome. Identifiers: Orphanet 140162, MedGen C0027672, MeSH D009386, MONDO:0015356.

Allele frequency attached by ClinVar (database versions not stated): gnomAD exomes below 0.00001; ExAC 0.00001.

Submission:

Ambry Genetics
Classification: Uncertain significance for Hereditary cancer-predisposing syndrome. Last evaluated: 2025-05-06. Review status: criteria provided, single submitter. Criteria: Ambry Variant Classification Scheme 2023. Collection method: clinical testing. Allele origin: germline.
Comment: The p.Q169R variant (also known as c.506A>G), located in coding exon 3 of the XRCC2 gene, results from an A to G substitution at nucleotide position 506. The glutamine at codon 169 is replaced by arginine, an amino acid with highly similar properties. This amino acid position is conserved. In addition, the in silico prediction for this alteration is inconclusive. Since supporting evidence is limited at this time, the clinical significance of this alteration remains unclear.

NM_005431.2(XRCC2):c.506A>G (p.Gln169Arg)

Gene: XRCC2 (X-ray repair cross complementing 2; minus strand). Cytogenetic location: 7q36.1.
Variant type: single nucleotide variant.
Coding change: c.506A>G on transcript NM_005431.2 (MANE Select); coding-DNA position 506, A replaced by G.
Protein change: p.Gln169Arg; replaces glutamine 169 with arginine.
Molecular consequence: missense variant.
Genome position (GRCh38, 1-based): chr7:152,648,979, T>C on the plus strand (A>G on the coding strand, the complement: XRCC2 is on the minus strand). VCF-style: chr7-152648979-T-C. GRCh37 (hg19) VCF-style: chr7-152346064-T-C.
Other names: short protein forms Q169R.
Identifiers: ClinVar variation 2447397 (VCV002447397.3), dbSNP rs747273692, ClinGen allele CA4582337.
Genomic context (GRCh38, chr7:152,648,979, plus strand): 5'-AGGCGATAGTCATTTACAAGCTTCTCTAAGCACTGAGAACATTTCCTCAGAGTAGACTCC[T>C]GTAAGTTCACACTTTCTCCTCCATTGACGCGGTCTATCCAGTAAAAAGCTGACAGGCTAT-3'
Protein context (NP_005422.1, residues 159-179): RVNGGESVNL[Gln169Arg]ESTLRKCSQC